The following is an entry in ClinVar:

ClinVar aggregate classification (germline): Pathogenic (1 of 4 stars; one submission).

Conditions:
DOCK2 deficiency. Also called: Immunodeficiency 40. Identifiers: Orphanet 447737, MedGen C4225328, MONDO:0014637, OMIM 616433.

Submission:

Labcorp Genetics (formerly Invitae), Labcorp
Classification: Pathogenic for Immunodeficiency 40. Last evaluated: 2019-02-11. Review status: criteria provided, single submitter. Criteria: Invitae Variant Classification Sherloc (09022015). Collection method: clinical testing. Allele origin: germline.
Comment: This sequence change creates a premature translational stop signal (p.Tyr1211*) in the DOCK2 gene. It is expected to result in an absent or disrupted protein product. This variant is not present in population databases (ExAC no frequency). This variant has not been reported in the literature in individuals with DOCK2-related conditions. Algorithms developed to predict the effect of sequence changes on RNA splicing suggest that this variant may create or strengthen a splice site, but this prediction has not been confirmed by published transcriptional studies. Loss-of-function variants in DOCK2 are known to be pathogenic (PMID: 26083206). For these reasons, this variant has been classified as Pathogenic.

NM_004946.3(DOCK2):c.3633C>G (p.Tyr1211Ter)

Gene: DOCK2 (dedicator of cytokinesis 2; plus strand). Cytogenetic location: 5q35.1.
Variant type: single nucleotide variant.
Coding change: c.3633C>G on transcript NM_004946.3 (MANE Select); coding-DNA position 3633, C replaced by G.
Protein change: p.Tyr1211Ter; replaces tyrosine 1211 with a stop codon.
Molecular consequence: nonsense. On other transcripts: non-coding transcript variant (1).
Genome position (GRCh38, 1-based): chr5:170,036,523, C>G. VCF-style: chr5-170036523-C-G. GRCh37 (hg19) VCF-style: chr5-169463527-C-G.
Other names: short protein forms Y1211*.
Identifiers: ClinVar variation 835804 (VCV000835804.1), dbSNP rs1756328793, ClinGen allele CA362107554.